The following is an entry in ClinVar:

ClinVar aggregate classification (germline): Uncertain significance (1 of 4 stars; one submission).

Submission:

GeneDx
Classification: Uncertain significance. Last evaluated: 2022-04-04. Review status: criteria provided, single submitter. Criteria: GeneDx Variant Classification Process June 2021. Collection method: clinical testing. Allele origin: germline. Affected: yes.
Comment: Not observed at significant frequency in large population cohorts (gnomAD); In silico analysis supports that this missense variant has a deleterious effect on protein structure/function; Has not been previously published as pathogenic or benign to our knowledge

NM_033109.5(PNPT1):c.1175A>C (p.Gln392Pro)

Gene: PNPT1 (polyribonucleotide nucleotidyltransferase 1; minus strand). Cytogenetic location: 2p16.1.
Variant type: single nucleotide variant.
Coding change: c.1175A>C on transcript NM_033109.5 (MANE Select); coding-DNA position 1175, A replaced by C.
Protein change: p.Gln392Pro; replaces glutamine 392 with proline.
Molecular consequence: missense variant.
Genome position (GRCh38, 1-based): chr2:55,666,992, T>G on the plus strand (A>C on the coding strand, the complement: PNPT1 is on the minus strand). VCF-style: chr2-55666992-T-G. GRCh37 (hg19) VCF-style: chr2-55894127-T-G.
Other names: short protein forms Q392P.
Identifiers: ClinVar variation 1708717 (VCV001708717.2), dbSNP rs754097540, ClinGen allele CA346928557.
Genomic context (GRCh38, chr2:55,666,992, plus strand): 5'-TTAGATCTAATTAAACAATCTTAATTTAGCAAATAATTAGAGCTTTTTATATAAATTACC[T>G]GTGTTTGTCCTCTTTGAAATAATGCTGATCCATGAAGGGTTTTAAACATATCTACCTCAC-3'
Protein context (NP_149100.2, residues 382-402): GSALFQRGQT[Gln392Pro]VLCTVTFDSL